The following is an entry in ClinVar:

NM_000404.4(GLB1):c.1313G>A (p.Gly438Glu)

Gene: GLB1 (galactosidase beta 1; minus strand). Cytogenetic location: 3p22.3.
Variant type: single nucleotide variant.
Coding change: c.1313G>A on transcript NM_000404.4 (MANE Select); coding-DNA position 1313, G replaced by A.
Protein change: p.Gly438Glu; replaces glycine 438 with glutamic acid.
Molecular consequence: missense variant.
Genome position (GRCh38, 1-based): chr3:33,018,482, C>T on the plus strand (G>A on the coding strand, the complement: GLB1 is on the minus strand). VCF-style: chr3-33018482-C-T. GRCh37 (hg19) VCF-style: chr3-33059974-C-T.
Other names: c.1223G>A, p.Gly408Glu (NM_001079811.3); c.920G>A, p.Gly307Glu (NM_001135602.3); c.1457G>A, p.Gly486Glu (NM_001317040.2); c.1313G>A, p.Gly438Glu (NM_001393580.1); c.1313G>A (NM_000404.3); short protein forms G438E, G408E, G486E, G307E.
Identifiers: ClinVar variation 940 (VCV000000940.60), dbSNP rs72555367, ClinGen allele CA114656.

ClinVar aggregate classification (germline): Pathogenic. Review status: criteria provided, multiple submitters, no conflicts (2 of 4 stars). 10 submissions from 10 submitters: Pathogenic (9). 1 of the submissions does not count toward it. Last evaluated 2026-01-28.

Conditions:
Spondyloepiphyseal dysplasia. Also called: Spondylo-epi-(meta)-physeal dysplasia. Identifiers: Orphanet 253, MedGen C0038015, MONDO:0016761, HP:0002655.
GLB1-related disorder. Also called: GLB1-related disorders. Identifiers: MedGen CN377807.
GM1 gangliosidosis. Identifiers: Orphanet 354, MedGen C0085131, MONDO:0018149.
Mucopolysaccharidosis, MPS-IV-B (MPS4B). Also called: Mucopolysaccharidosis type IVB (Morquio); MPS IVB; MORQUIO SYNDROME B; Mucopolysaccharidosis Type IVB (Morquio B Disease); Mucopolysaccharidosis type 4B; Mucopolysaccharidosis Type IVB. Identifiers: Orphanet 309310, Orphanet 582, MedGen C0086652, MONDO:0009660, OMIM 253010.
Infantile GM1 gangliosidosis. Also called: GM1-gangliosidosis, type I; Gangliosidosis, generalized GM1, infantile form; GLB1 deficiency; Gangliosidosis, Generalized GM1, Type 1; GM1 gangliosidosis type 1. Identifiers: Orphanet 354, Orphanet 79255, MedGen C0268271, MONDO:0009260, OMIM 230500.
GM1 gangliosidosis type 3. Also called: GM1-GANGLIOSIDOSIS, TYPE III; GANGLIOSIDOSIS, GENERALIZED GM1, ADULT TYPE; GANGLIOSIDOSIS, GENERALIZED GM1, CHRONIC TYPE; GANGLIOSIDOSIS, GENERALIZED GM1, TYPE III; Beta-galactosidase deficiency; Adult GM1 gangliosidosis. Identifiers: Orphanet 79257, MedGen C0268273, MONDO:0009262, OMIM 230650.
GM1 gangliosidosis type 2. Also called: GM1-GANGLIOSIDOSIS, TYPE II; GANGLIOSIDOSIS, GENERALIZED GM1, JUVENILE TYPE; GANGLIOSIDOSIS, GENERALIZED GM1, TYPE II; Juvenile GM>1< gangliosidosis; Gangliosidosis, Generalized GM1, Type 2. Identifiers: Orphanet 354, Orphanet 79256, MedGen C0268272, MONDO:0009261, OMIM 230600.

Allele frequency attached by ClinVar (database versions not stated): gnomAD exomes below 0.00001; TOPMed 0.00001.
gnomAD v4.1: 1 of 1,613,960 alleles (0.000062%); highest among the groups gnomAD compares: Non-Finnish European, 0.000085%; no homozygotes.

Submissions (10):

Labcorp Genetics (formerly Invitae), Labcorp
Classification: Pathogenic for Mucopolysaccharidosis, MPS-IV-B; GM1 gangliosidosis. Last evaluated: 2026-01-28. Review status: criteria provided, single submitter. Criteria: Invitae Variant Classification Sherloc (09022015). Collection method: clinical testing. Allele origin: germline.
Comment: This sequence change replaces glycine, which is neutral and non-polar, with glutamic acid, which is acidic and polar, at codon 438 of the GLB1 protein (p.Gly438Glu). This variant is not present in population databases (gnomAD no frequency). This missense change has been observed in individual(s) with GM1 gangliosidosis and mucopolysaccharidosis IVB (PMID: 10841810, 19472408, 21497194, 23831247, 26646981). ClinVar contains an entry for this variant (Variation ID: 940). Invitae Evidence Modeling of protein sequence and biophysical properties (such as structural, functional, and spatial information, amino acid conservation, physicochemical variation, residue mobility, and thermodynamic stability) indicates that this missense variant is expected to disrupt GLB1 protein function with a positive predictive value of 95%. Experimental studies have shown that this missense change affects GLB1 function (PMID: 19472408). For these reasons, this variant has been classified as Pathogenic.

Natera, Inc.
Classification: Pathogenic for Mucopolysaccharidosis, MPS-IV-B. Last evaluated: 2025-12-17. Review status: criteria provided, single submitter. Criteria: Natera Variant Classification Schema (03/2026). Collection method: clinical testing. Allele origin: germline.
Comment: The c.1313G>A variant in GLB1 is a missense variant predicted to cause substitution of glycine to glutamic acid at amino acid 438. This variant is rare in the general population with a frequency below the threshold expected for the associated phenotype(s). This variant has been observed in one or more individuals affected with the associated recessive disease, as either homozygous or compound heterozygous with a second variant (PMID: 21497194, 31216405, 15986423, 23831247). Additionally, this variant has been observed to segregate in affected family members (PMID: 15986423). Functional studies show that this variant may disrupt protein function (PMID: 19472408, 22033734). Computational prediction algorithms indicate this variant is likely to affect gene or protein function. Given the available evidence, this variant is classified as Pathogenic.

Women's Health and Genetics/Laboratory Corporation of America, LabCorp
Classification: Pathogenic for GM1 gangliosidosis. Last evaluated: 2025-02-24. Review status: criteria provided, single submitter. Criteria: LabCorp Variant Classification Summary - May 2015. Collection method: clinical testing. Allele origin: germline.
Comment: Variant summary: GLB1 c.1313G>A (p.Gly438Glu) results in a non-conservative amino acid change located in the Beta-galactosidase, first all-beta domain (IPR048912) of the encoded protein sequence. Four of five in-silico tools predict a damaging effect of the variant on protein function. The variant was absent in 249588 control chromosomes. c.1313G>A has been reported in the literature in multiple individuals affected with GM1 Gangliosidosis and related conditions (Hofer_2009, Fantur_2011). These data indicate that the variant is very likely to be associated with disease. At least one publication reports experimental evidence evaluating an impact on protein function. The most pronounced variant effect results in <10% of normal activity (Hofer_2009).The following publications have been ascertained in the context of this evaluation (PMID: 19472408, 22033734). ClinVar contains an entry for this variant (Variation ID: 940). Based on the evidence outlined above, the variant was classified as pathogenic.

Blueprint Genetics
Classification: Pathogenic for GLB1-related disorders. Last evaluated: 2024-04-05. Review status: criteria provided, single submitter. Criteria: ACMG Guidelines, 2015. Collection method: clinical testing. Allele origin: germline. Affected: yes. Observed: 2 variant alleles.

GeneDx
Classification: Pathogenic. Last evaluated: 2022-10-03. Review status: criteria provided, single submitter. Criteria: GeneDx Variant Classification Process June 2021. Collection method: clinical testing. Allele origin: germline. Affected: yes.
Comment: Functional studies found this variant is associated with significantly reduced beta-galactosidase activity (Hofer et al., 2009); In silico analysis supports that this missense variant has a deleterious effect on protein structure/function; Not observed at significant frequency in large population cohorts (gnomAD); This variant is associated with the following publications: (PMID: 33737400, 10841810, 19472408, 20629163, 15986423, 23831247, 22033734, 31216405)

Cytogénomique, Hospices Civils de Lyon
Classification: Pathogenic for Spondyloepiphyseal dysplasia. Last evaluated: 2022-03-09. Review status: criteria provided, single submitter. Criteria: ACMG Guidelines, 2015. Collection method: clinical testing. Allele origin: biparental. Inheritance: Sporadic. Affected: yes. Observed: 1 variant allele, 1 homozygote.
Comment: recurrent pathogenic variant

Institute of Medical Genetics and Applied Genomics, University Hospital Tübingen
Classification: Pathogenic. Last evaluated: 2020-10-23. Review status: criteria provided, single submitter. Criteria: ACMG Guidelines, 2015. Collection method: clinical testing. Allele origin: germline. Inheritance: Unknown mechanism. Affected: yes.

CeGaT Center for Human Genetics Tuebingen
Classification: Pathogenic. Last evaluated: 2020-01-01. Review status: criteria provided, single submitter. Criteria: CeGaT Center For Human Genetics Tuebingen Variant Classification Criteria Version 2. Collection method: clinical testing. Allele origin: germline. Affected: yes. Observed: 1 variant allele.

Baylor Genetics
Classification: Pathogenic for Infantile GM1 gangliosidosis; GM1 gangliosidosis type 2; GM1 gangliosidosis type 3; Mucopolysaccharidosis, MPS-IV-B. Last evaluated: 2012-07-03. Review status: criteria provided, single submitter. Criteria: ACMG Guidelines, 2015. Collection method: clinical testing. Allele origin: germline. Affected: yes.

OMIM
Classification: Pathogenic for MUCOPOLYSACCHARIDOSIS, TYPE IVB. Last evaluated: 2021-05-04. Review status: no assertion criteria provided. Collection method: literature only. Allele origin: germline. Not counted in ClinVar's aggregate classification.

Literature cited by the submitters: PubMed 10841810 (cited by Labcorp Genetics (formerly Invitae), Labcorp and Baylor Genetics); PubMed 19472408 (cited by 3 submitters); PubMed 21497194 (cited by Labcorp Genetics (formerly Invitae), Labcorp and Natera, Inc.); PubMed 23831247 (cited by 3 submitters); PubMed 26646981 (cited by Labcorp Genetics (formerly Invitae), Labcorp); PubMed 31216405 (cited by Natera, Inc.); PubMed 15986423 (cited by Natera, Inc.); PubMed 22033734 (cited by Natera, Inc. and Women's Health and Genetics/Laboratory Corporation of America, LabCorp); PubMed 8922281 (cited by OMIM).